The following is an entry in ClinVar:

NM_032638.5(GATA2):c.1363A>C (p.Thr455Pro)

Gene: GATA2 (GATA binding protein 2; minus strand). Cytogenetic location: 3q21.3.
Variant type: single nucleotide variant.
Coding change: c.1363A>C on transcript NM_032638.5 (MANE Select); coding-DNA position 1363, A replaced by C.
Protein change: p.Thr455Pro; replaces threonine 455 with proline.
Molecular consequence: missense variant.
Genome position (GRCh38, 1-based): chr3:128,481,099, T>G on the plus strand (A>C on the coding strand, the complement: GATA2 is on the minus strand). VCF-style: chr3-128481099-T-G. GRCh37 (hg19) VCF-style: chr3-128199942-T-G.
Other names: c.1363A>C, p.Thr455Pro (NM_001145661.2); c.1321A>C, p.Thr441Pro (NM_001145662.1); short protein forms T441P, T455P.
Identifiers: ClinVar variation 1045883 (VCV001045883.8), dbSNP rs755408952, ClinGen allele CA2599791.
Genomic context (GRCh38, chr3:128,481,099, plus strand): 5'-TGCTGGACGGGTGGGGGTGGCCGAAGGAGAGGCTGGAGGAGGGGTGGATGGGCGTCGGAG[T>G]GGGCAGGATGTGTCCGGAGTGGCTGAAGGGCGGGAGGTGGCCCACAGGTGCCATGTGTCC-3'
Protein context (NP_116027.2, residues 445-465): PFSHSGHILP[Thr455Pro]PTPIHPSSSL

ClinVar aggregate classification (germline): Uncertain significance (1 of 4 stars; one submission).

Conditions:
Deafness-lymphedema-leukemia syndrome. Also called: Emberger syndrome; Lymphedema, primary, with myelodysplasia. Identifiers: Orphanet 3226, MedGen C3279664, MONDO:0013540, OMIM 614038.
Monocytopenia with susceptibility to infections. Also called: IMMUNODEFICIENCY 21; GATA2 DEFICIENCY; MONOCYTOPENIA AND MYCOBACTERIAL INFECTION SYNDROME; MONOCYTOPENIA WITH SUSCEPTIBILITY TO MYCOBACTERIAL, FUNGAL, AND PAPILLOMAVIRUS INFECTIONS AND MYELODYSPLASIA; COMBINED IMMUNODEFICIENCY WITH SUSCEPTIBILITY TO MYCOBACTERIAL, VIRAL, AND FUNGAL INFECTIONS; Dendritic cell, monocyte, B lymphocyte, and natural killer lymphocyte deficiency. Identifiers: Orphanet 228423, MedGen C3280030, MONDO:0013607, OMIM 614172.

Allele frequency attached by ClinVar (database versions not stated): ExAC 0.00001.

Submission:

Labcorp Genetics (formerly Invitae), Labcorp
Classification: Uncertain significance for Monocytopenia with susceptibility to infections; Deafness-lymphedema-leukemia syndrome. Last evaluated: 2022-08-10. Review status: criteria provided, single submitter. Criteria: Invitae Variant Classification Sherloc (09022015). Collection method: clinical testing. Allele origin: germline.
Comment: ClinVar contains an entry for this variant (Variation ID: 1045883). Algorithms developed to predict the effect of missense changes on protein structure and function are either unavailable or do not agree on the potential impact of this missense change (SIFT: "Tolerated"; PolyPhen-2: "Probably Damaging"; Align-GVGD: "Class C0"). In summary, the available evidence is currently insufficient to determine the role of this variant in disease. Therefore, it has been classified as a Variant of Uncertain Significance. This variant has not been reported in the literature in individuals affected with GATA2-related conditions. This sequence change replaces threonine, which is neutral and polar, with proline, which is neutral and non-polar, at codon 455 of the GATA2 protein (p.Thr455Pro). This variant is present in population databases (rs755408952, gnomAD 0.003%).